The following is an entry in ClinVar:

ClinVar aggregate classification (germline): Uncertain significance (1 of 4 stars; one submission).

Conditions:
Intellectual developmental disorder, X-linked 104. Also called: Intellectual disability, X-linked 104. Identifiers: MedGen C4310817, MONDO:0010509, OMIM 300983.

gnomAD v4.1: 14 of 1,210,235 alleles (0.0012%); highest among the groups gnomAD compares: East Asian, 0.003%; no homozygotes.

Submission:

Baylor Genetics
Classification: Uncertain significance for Intellectual developmental disorder, X-linked 104. Last evaluated: 2020-06-03. Review status: criteria provided, single submitter. Criteria: ACMG Guidelines, 2015. Collection method: clinical testing. Allele origin: unknown. Affected: yes.
Comment: This variant was determined to be of uncertain significance according to ACMG Guidelines, 2015 [PMID:25741868].

NM_001368397.1(FRMPD4):c.1937C>T (p.Pro646Leu)

Gene: FRMPD4 (FERM and PDZ domain containing 4; plus strand). Cytogenetic location: Xp22.2.
Variant type: single nucleotide variant.
Coding change: c.1937C>T on transcript NM_001368397.1 (MANE Select); coding-DNA position 1937, C replaced by T.
Protein change: p.Pro646Leu; replaces proline 646 with leucine.
Molecular consequence: missense variant.
Genome position (GRCh38, 1-based): chrX:12,716,396, C>T. VCF-style: chrX-12716396-C-T. GRCh37 (hg19) VCF-style: chrX-12734515-C-T.
Other names: c.2048C>T, p.Pro683Leu (NM_001368395.3, NM_001368398.3); c.1943C>T, p.Pro648Leu (NM_001368396.3); c.1928C>T, p.Pro643Leu (NM_001368399.3); c.1817C>T, p.Pro606Leu (NM_001368400.3); c.1913C>T, p.Pro638Leu (NM_001368401.1, NM_001368402.3); c.1937C>T, p.Pro646Leu (NM_014728.3); short protein forms P606L, P648L, P683L, P638L, P643L, P646L.
Identifiers: ClinVar variation 1031297 (VCV001031297.1), dbSNP rs769660304, ClinGen allele CA10349388.